The following is an entry in ClinVar:

ClinVar aggregate classification (germline): Uncertain significance (1 of 4 stars; one submission).

Allele frequency attached by ClinVar (database versions not stated): ExAC 0.00002; gnomAD exomes 0.00003.
gnomAD v4.1: 18 of 1,614,120 alleles (0.0011%); highest among the groups gnomAD compares: South Asian, 0.02%; no homozygotes.

Submission:

Ambry Genetics
Classification: Uncertain significance. Last evaluated: 2023-05-11. Review status: criteria provided, single submitter. Criteria: Ambry Variant Classification Scheme 2023. Collection method: clinical testing. Allele origin: germline.
Comment: The p.P307A variant (also known as c.919C>G), located in coding exon 4 of the MNDA gene, results from a C to G substitution at nucleotide position 919. The proline at codon 307 is replaced by alanine, an amino acid with highly similar properties. This amino acid position is conserved. In addition, this alteration is predicted to be tolerated by in silico analysis. Since supporting evidence is limited at this time, the clinical significance of this alteration remains unclear.

NM_002432.3(MNDA):c.919C>G (p.Pro307Ala)

Gene: MNDA (myeloid cell nuclear differentiation antigen; plus strand). Cytogenetic location: 1q23.1.
Variant type: single nucleotide variant.
Coding change: c.919C>G on transcript NM_002432.3 (MANE Select); coding-DNA position 919, C replaced by G.
Protein change: p.Pro307Ala; replaces proline 307 with alanine.
Molecular consequence: missense variant.
Genome position (GRCh38, 1-based): chr1:158,845,935, C>G. VCF-style: chr1-158845935-C-G. GRCh37 (hg19) VCF-style: chr1-158815725-C-G.
Other names: short protein forms P307A.
Identifiers: ClinVar variation 2563149 (VCV002563149.2), dbSNP rs779512356, ClinGen allele CA1185736.